The following is an entry in ClinVar:

NM_001373.1:c.11777C>A

Gene: DNAH14 (dynein axonemal heavy chain 14; plus strand).
Variant type: single nucleotide variant.
Identifiers: ClinVar variation 4242195 (VCV004242195.2).

ClinVar aggregate classification (germline): Uncertain significance. Review status: criteria provided, multiple submitters, no conflicts (2 of 4 stars). 2 submissions from 2 submitters: Uncertain significance (2). Last evaluated 2025-06-24.

Submissions (2):

Ambry Genetics
Classification: Uncertain significance. Last evaluated: 2025-06-24. Review status: criteria provided, single submitter. Criteria: Ambry Variant Classification Scheme 2023. Collection method: clinical testing. Allele origin: germline.

GeneDx
Classification: Uncertain significance. Last evaluated: 2025-06-11. Review status: criteria provided, single submitter. Criteria: GeneDx Variant Classification Process June 2021. Collection method: clinical testing. Allele origin: germline. Affected: yes.
Comment: Not observed at significant frequency in large population cohorts (gnomAD); In silico analysis supports that this missense variant has a deleterious effect on protein structure/function; In silico analysis is inconclusive as to whether the variant alters gene splicing. In the absence of RNA/functional studies, the actual effect of this sequence change is unknown.; Has not been previously published as pathogenic or benign to our knowledge